The following is an entry in ClinVar:

ClinVar aggregate classification (germline): Benign/Likely benign. Review status: criteria provided, multiple submitters, no conflicts (2 of 4 stars). 9 submissions from 9 submitters: Benign (8); Likely benign (1). Last evaluated 2026-02-04.

Conditions:
Familial hemophagocytic lymphohistiocytosis 5. Also called: STXBP2-Related Familial Hemophagocytic Lymphohistiocytosis (STXBP2-fHLH). Identifiers: Orphanet 540, MedGen C2751293, MONDO:0013135, OMIM 613101.

Allele frequency attached by ClinVar (database versions not stated): gnomAD exomes 0.38408 and 0.41752; ESP Exome Variant Server 0.41556; gnomAD 0.43223 and 0.43446; TOPMed 0.43243; ExAC 0.46264; 1000 Genomes Project 30x 0.49516; 1000 Genomes Project 0.50419.
gnomAD v4.1: 624,736 of 1,605,256 alleles (39%); highest among the groups gnomAD compares: East Asian, 72%; 125,924 homozygotes.

Submissions (9):

Labcorp Genetics (formerly Invitae), Labcorp
Classification: Benign for Familial hemophagocytic lymphohistiocytosis 5. Last evaluated: 2026-02-04. Review status: criteria provided, single submitter. Criteria: Invitae Variant Classification Sherloc (09022015). Collection method: clinical testing. Allele origin: germline.

Blueprint Genetics
Classification: Likely benign. Last evaluated: 2024-11-28. Review status: criteria provided, single submitter. Criteria: ACMG Guidelines, 2015. Collection method: clinical testing. Allele origin: germline.

Unidad de Genómica Garrahan, Hospital de Pediatría Garrahan
Classification: Benign. Last evaluated: 2023-11-12. Review status: criteria provided, single submitter. Criteria: ACMG Guidelines, 2015. Collection method: clinical testing. Allele origin: germline. Affected: no. Observed: 68 variant alleles.
Comment: This variant is classified as Benign based on local population frequency. This variant was detected in 71% of patients studied by a panel of primary immunodeficiencies. Number of patients: 68. Only high quality variants are reported.

Mayo Clinic Laboratories, Mayo Clinic
Classification: Benign. Last evaluated: 2022-09-29. Review status: criteria provided, single submitter. Criteria: ACMG Guidelines, 2015. Collection method: clinical testing. Allele origin: germline. Observed: 1,007 variant alleles.

Genome-Nilou Lab
Classification: Benign for Familial hemophagocytic lymphohistiocytosis 5. Last evaluated: 2021-07-15. Review status: criteria provided, single submitter. Criteria: ACMG Guidelines, 2015. Collection method: clinical testing. Allele origin: germline. Affected: no.

GeneDx
Classification: Benign. Last evaluated: 2018-11-12. Review status: criteria provided, single submitter. Criteria: GeneDx Variant Classification Process June 2021. Collection method: clinical testing. Allele origin: germline. Affected: yes.

Laboratory for Molecular Medicine, Mass General Brigham Personalized Medicine
Classification: Benign. Last evaluated: 2016-03-29. Review status: criteria provided, single submitter. Criteria: LMM Criteria. Collection method: clinical testing. Allele origin: germline.
Comment: Variant identified in a genome or exome case(s) and assessed due to predicted null impact of the variant or pathogenic assertions in the literature or databases. Disclaimer: This variant has not undergone full assessment. The following are preliminary notes: Frequency

Breakthrough Genomics
Classification: Benign. Review status: criteria provided, single submitter. Criteria: ACMG Guidelines, 2015. Collection method: not provided. Allele origin: germline. Inheritance: Autosomal recessive inheritance. Affected: yes.

PreventionGenetics, part of Exact Sciences
Classification: Benign. Review status: criteria provided, single submitter. Criteria: ACMG Guidelines, 2015. Collection method: clinical testing. Allele origin: germline.

NM_006949.4(STXBP2):c.1443T>C (p.Asp481=)

Gene: STXBP2 (syntaxin binding protein 2; plus strand). Cytogenetic location: 19p13.2.
Variant type: single nucleotide variant.
Coding change: c.1443T>C on transcript NM_006949.4 (MANE Select); coding-DNA position 1443, T replaced by C.
Protein change: p.Asp481=; no amino-acid change (aspartic acid 481 retained).
Molecular consequence: synonymous variant. On other transcripts: non-coding transcript variant (1).
Genome position (GRCh38, 1-based): chr19:7,646,335, T>C. VCF-style: chr19-7646335-T-C. GRCh37 (hg19) VCF-style: chr19-7711221-T-C.
Other names: p.Asp481=; c.1434T>C, p.Asp478= (NM_001127396.3); c.1476T>C, p.Asp492= (NM_001272034.2).
Identifiers: ClinVar variation 260089 (VCV000260089.27), dbSNP rs10001, ClinGen allele CA9144154.